The following is an entry in ClinVar:

NM_013339.4(ALG6):c.1075T>G (p.Leu359Val)

Gene: ALG6 (ALG6 alpha-1,3-glucosyltransferase; plus strand). Cytogenetic location: 1p31.3.
Variant type: single nucleotide variant.
Coding change: c.1075T>G on transcript NM_013339.4 (MANE Select); coding-DNA position 1075, T replaced by G.
Protein change: p.Leu359Val; replaces leucine 359 with valine.
Molecular consequence: missense variant.
Genome position (GRCh38, 1-based): chr1:63,428,749, T>G. VCF-style: chr1-63428749-T-G. GRCh37 (hg19) VCF-style: chr1-63894420-T-G.
Other names: short protein forms L359V.
Identifiers: ClinVar variation 1476684 (VCV001476684.7), dbSNP rs1260829753, ClinGen allele CA340639776.

ClinVar aggregate classification (germline): Uncertain significance (1 of 4 stars; one submission).

Conditions:
ALG6-congenital disorder of glycosylation 1C (CDG1C). Also called: Congenital disorder of glycosylation, type Ic; CARBOHYDRATE-DEFICIENT GLYCOPROTEIN SYNDROME, TYPE I, WITH DEFICIENT GLYCOSYLATION OF DOLICHOL-LINKED OLIGOSACCHARIDE; CARBOHYDRATE-DEFICIENT GLYCOPROTEIN SYNDROME, TYPE V; Congenital disorder of glycosylation type 1C; CDG Ic. Identifiers: Orphanet 79320, MedGen C2930997, MONDO:0011291, OMIM 603147.

Allele frequency attached by ClinVar (database versions not stated): TOPMed 0.00001.

Submission:

Labcorp Genetics (formerly Invitae), Labcorp
Classification: Uncertain significance for ALG6-congenital disorder of glycosylation 1C. Last evaluated: 2021-02-03. Review status: criteria provided, single submitter. Criteria: Invitae Variant Classification Sherloc (09022015). Collection method: clinical testing. Allele origin: germline.
Comment: This sequence change replaces leucine with valine at codon 359 of the ALG6 protein (p.Leu359Val). The leucine residue is moderately conserved and there is a small physicochemical difference between leucine and valine. This variant is not present in population databases (ExAC no frequency). This variant has not been reported in the literature in individuals with ALG6-related conditions. Algorithms developed to predict the effect of missense changes on protein structure and function (SIFT, PolyPhen-2, Align-GVGD) all suggest that this variant is likely to be tolerated, but these predictions have not been confirmed by published functional studies and their clinical significance is uncertain. Algorithms developed to predict the effect of sequence changes on RNA splicing suggest that this variant may create or strengthen a splice site, but this prediction has not been confirmed by published transcriptional studies. In summary, the available evidence is currently insufficient to determine the role of this variant in disease. Therefore, it has been classified as a Variant of Uncertain Significance.